The following is an entry in ClinVar:

NM_000135.4(FANCA):c.847G>A (p.Ala283Thr)

Gene: FANCA (FA complementation group A; minus strand). Cytogenetic location: 16q24.3.
Variant type: single nucleotide variant.
Coding change: c.847G>A on transcript NM_000135.4 (MANE Select); coding-DNA position 847, G replaced by A.
Protein change: p.Ala283Thr; replaces alanine 283 with threonine.
Molecular consequence: missense variant.
Genome position (GRCh38, 1-based): chr16:89,799,212, C>T on the plus strand (G>A on the coding strand, the complement: FANCA is on the minus strand). VCF-style: chr16-89799212-C-T. GRCh37 (hg19) VCF-style: chr16-89865620-C-T.
Other names: c.847G>A, p.Ala283Thr (NM_001018112.3, NM_001286167.3); c.751G>A, p.Ala251Thr (NM_001351830.2); short protein forms A283T, A251T.
Identifiers: ClinVar variation 4736731 (VCV004736731.1).

ClinVar aggregate classification (germline): Uncertain significance (1 of 4 stars; one submission).

Conditions:
Fanconi anemia (FA). Also called: Fanconi's anemia. Identifiers: Orphanet 84, MedGen C0015625, MeSH D005199, MONDO:0019391.

gnomAD v4.1: 5 of 1,614,150 alleles (0.00031%); highest among the groups gnomAD compares: Non-Finnish European, 0.00017%; no homozygotes.

Submission:

Labcorp Genetics (formerly Invitae), Labcorp
Classification: Uncertain significance for Fanconi anemia. Last evaluated: 2025-03-28. Review status: criteria provided, single submitter. Criteria: Invitae Variant Classification Sherloc (09022015). Collection method: clinical testing. Allele origin: germline.
Comment: This sequence change replaces alanine, which is neutral and non-polar, with threonine, which is neutral and polar, at codon 283 of the FANCA protein (p.Ala283Thr). This variant is present in population databases (rs773794718, gnomAD 0.004%). This variant has not been reported in the literature in individuals affected with FANCA-related conditions. Invitae Evidence Modeling of protein sequence and biophysical properties (such as structural, functional, and spatial information, amino acid conservation, physicochemical variation, residue mobility, and thermodynamic stability) indicates that this missense variant is not expected to disrupt FANCA protein function with a negative predictive value of 95%. In summary, the available evidence is currently insufficient to determine the role of this variant in disease. Therefore, it has been classified as a Variant of Uncertain Significance.